The following is an entry in ClinVar:

NM_182641.4(BPTF):c.4177C>T (p.Arg1393Ter)

Gene: BPTF (bromodomain PHD finger transcription factor; plus strand). Cytogenetic location: 17q24.2.
Variant type: single nucleotide variant.
Coding change: c.4177C>T on transcript NM_182641.4 (MANE Select); coding-DNA position 4177, C replaced by T.
Protein change: p.Arg1393Ter; replaces arginine 1393 with a stop codon.
Molecular consequence: nonsense.
Genome position (GRCh38, 1-based): chr17:67,912,061, C>T. VCF-style: chr17-67912061-C-T. GRCh37 (hg19) VCF-style: chr17-65908177-C-T.
Other names: c.4555C>T, p.Arg1519Ter (NM_004459.7); short protein forms R1393*, R1519*.
Identifiers: ClinVar variation 3677167 (VCV003677167.2).
Genomic context (GRCh38, chr17:67,912,061, plus strand): 5'-AATAAATGTAGTGATCAAATAAAGCTAAAAAATACCACTGACAAAAAGAATAATGAAAAT[C>T]GAGAGTCTGAAAAGAAAGGACAGAGAACAAGTACATTTCAAATAAATGGAAAAGATAATA-3'

ClinVar aggregate classification (germline): Pathogenic (1 of 4 stars; one submission).

Submission:

Labcorp Genetics (formerly Invitae), Labcorp
Classification: Pathogenic. Last evaluated: 2024-07-26. Review status: criteria provided, single submitter. Criteria: Invitae Variant Classification Sherloc (09022015). Collection method: clinical testing. Allele origin: germline.
Comment: This sequence change creates a premature translational stop signal (p.Arg1519*) in the BPTF gene. It is expected to result in an absent or disrupted protein product. Loss-of-function variants in BPTF are known to be pathogenic (PMID: 28942966). This variant is not present in population databases (gnomAD no frequency). This premature translational stop signal has been observed in individual(s) with BPTF-related conditions (PMID: 33522091). For these reasons, this variant has been classified as Pathogenic.

Literature cited by the submitters: PubMed 28942966; PubMed 33522091.